The following is an entry in ClinVar:

NM_182493.3(MYLK3):c.1849A>G (p.Thr617Ala)

Gene: MYLK3 (myosin light chain kinase 3; minus strand). Cytogenetic location: 16q11.2.
Variant type: single nucleotide variant.
Coding change: c.1849A>G on transcript NM_182493.3 (MANE Select); coding-DNA position 1849, A replaced by G.
Protein change: p.Thr617Ala; replaces threonine 617 with alanine.
Molecular consequence: missense variant.
Genome position (GRCh38, 1-based): chr16:46,727,301, T>C on the plus strand (A>G on the coding strand, the complement: MYLK3 is on the minus strand). VCF-style: chr16-46727301-T-C. GRCh37 (hg19) VCF-style: chr16-46761213-T-C.
Other names: c.826A>G, p.Thr276Ala (NM_001308301.1); short protein forms T276A, T617A.
Identifiers: ClinVar variation 2966437 (VCV002966437.3), dbSNP rs1229781596, ClinGen allele CA395789853.
Genomic context (GRCh38, chr16:46,727,301, plus strand): 5'-GGTCCAGGTGCAGGATGTAGTGCTGGTGCAGGTAATGCACACCCTCACAGATCTGCCTGG[T>C]GAACAGGACCACATCCAGCTCAGTCAGGTGGTACTTCTCATCTGTGATCCGGTCGAAGAG-3'
Protein context (NP_872299.2, residues 607-627): HLTELDVVLF[Thr617Ala]RQICEGVHYL

ClinVar aggregate classification (germline): Uncertain significance (1 of 4 stars; one submission).

Allele frequency attached by ClinVar (database versions not stated): gnomAD exomes 0.00001; TOPMed 0.00001; gnomAD 0.00001.
gnomAD v4.1: 10 of 1,614,002 alleles (0.00062%); highest among the groups gnomAD compares: African/African-American, 0.0027%; no homozygotes.

Submission:

Labcorp Genetics (formerly Invitae), Labcorp
Classification: Uncertain significance. Last evaluated: 2025-05-22. Review status: criteria provided, single submitter. Criteria: Invitae Variant Classification Sherloc (09022015). Collection method: clinical testing. Allele origin: germline.
Comment: This sequence change replaces threonine, which is neutral and polar, with alanine, which is neutral and non-polar, at codon 617 of the MYLK3 protein (p.Thr617Ala). This variant is present in population databases (no rsID available, gnomAD 0.01%). This variant has not been reported in the literature in individuals affected with MYLK3-related conditions. ClinVar contains an entry for this variant (Variation ID: 2966437). An algorithm developed to predict the effect of missense changes on protein structure and function (PolyPhen-2) suggests that this variant is likely to be disruptive. In summary, the available evidence is currently insufficient to determine the role of this variant in disease. Therefore, it has been classified as a Variant of Uncertain Significance.